The following is an entry in ClinVar:

NM_016169.4(SUFU):c.37A>T (p.Thr13Ser)

Genes: SUFU (SUFU negative regulator of hedgehog signaling; plus strand), LOC130004614 (ATAC-STARR-seq lymphoblastoid silent region 2764; plus strand). Cytogenetic location: 10q24.32.
Variant type: single nucleotide variant.
Coding change: c.37A>T on transcript NM_016169.4 (MANE Select); coding-DNA position 37, A replaced by T.
Protein change: p.Thr13Ser; replaces threonine 13 with serine.
Molecular consequence: missense variant.
Genome position (GRCh38, 1-based): chr10:102,504,189, A>T. VCF-style: chr10-102504189-A-T. GRCh37 (hg19) VCF-style: chr10-104263946-A-T.
Other names: c.37A>T, p.Thr13Ser (NM_001178133.2); short protein forms T13S.
Identifiers: ClinVar variation 1735036 (VCV001735036.2), dbSNP rs1456048322, ClinGen allele CA377886204.

ClinVar aggregate classification (germline): Uncertain significance (1 of 4 stars; one submission).

Conditions:
Hereditary cancer-predisposing syndrome. Also called: Neoplastic Syndromes, Hereditary; Tumor predisposition; Hereditary Cancer Syndrome; Hereditary neoplastic syndrome. Identifiers: Orphanet 140162, MedGen C0027672, MeSH D009386, MONDO:0015356.

Submission:

Ambry Genetics
Classification: Uncertain significance for Hereditary cancer-predisposing syndrome. Last evaluated: 2022-01-12. Review status: criteria provided, single submitter. Criteria: Ambry Variant Classification Scheme 2023. Collection method: clinical testing. Allele origin: germline.
Comment: The p.T13S variant (also known as c.37A>T), located in coding exon 1 of the SUFU gene, results from an A to T substitution at nucleotide position 37. The threonine at codon 13 is replaced by serine, an amino acid with similar properties. This amino acid position is conserved. In addition, this alteration is predicted to be tolerated by in silico analysis. Since supporting evidence is limited at this time, the clinical significance of this alteration remains unclear.